The following is an entry in ClinVar:

NM_144997.7(FLCN):c.451G>A (p.Val151Met)

Gene: FLCN (folliculin; minus strand). Cytogenetic location: 17p11.2.
Variant type: single nucleotide variant.
Coding change: c.451G>A on transcript NM_144997.7 (MANE Select); coding-DNA position 451, G replaced by A.
Protein change: p.Val151Met; replaces valine 151 with methionine.
Molecular consequence: missense variant.
Genome position (GRCh38, 1-based): chr17:17,224,089, C>T on the plus strand (G>A on the coding strand, the complement: FLCN is on the minus strand). VCF-style: chr17-17224089-C-T. GRCh37 (hg19) VCF-style: chr17-17127403-C-T.
Other names: c.505G>A, p.Val169Met (NM_001353229.2); c.451G>A, p.Val151Met (NM_001353230.2, NM_001353231.2, NM_144606.7); c.451G>A (NM_144997.6, LRG_325t1); short protein forms V151M, V169M.
Identifiers: ClinVar variation 460616 (VCV000460616.57), dbSNP rs147164515, ClinGen allele CA8416395.

ClinVar aggregate classification (germline): Conflicting classifications of pathogenicity. Review status: criteria provided, conflicting classifications (1 of 4 stars). 8 submissions from 8 submitters: Uncertain significance (7); Likely benign (1). Last evaluated 2026-01-18.

Conditions:
Hereditary cancer-predisposing syndrome. Also called: Hereditary neoplastic syndrome; Neoplastic Syndromes, Hereditary; Hereditary Cancer Syndrome; Tumor predisposition. Identifiers: Orphanet 140162, MedGen C0027672, MeSH D009386, MONDO:0015356.
Birt-Hogg-Dube syndrome. Also called: Birt Hogg Dubé syndrome. Identifiers: Orphanet 122, MedGen C0346010, MONDO:0800444.
Carcinoma of colon (CRC). Also called: Colon carcinoma; Colonic carcinoma. Identifiers: MedGen C0699790, MONDO:0002032.
Familial spontaneous pneumothorax (PSP). Identifiers: Orphanet 2903, MedGen C1868193, MONDO:0008259, OMIM 173600.
17p11.2 microduplication syndrome (PTLS). Also called: CHROMOSOME 17p11.2 DUPLICATION SYNDROME; Potocki-Lupski syndrome; Duplication 17p11.2 syndrome; Potocki-Lupski syndrome (dup(17)(p11.2p11.2)). Identifiers: Orphanet 1713, MedGen C2931246, MONDO:0012574, OMIM 610883.
Nonpapillary renal cell carcinoma. Identifiers: Orphanet 422526, MedGen CN074294, MONDO:0007763, OMIM 144700.

Allele frequency attached by ClinVar (database versions not stated): gnomAD 0.00001; gnomAD exomes 0.00001 and 0.00002; ExAC 0.00002; TOPMed 0.00003; ESP Exome Variant Server 0.00015.
gnomAD v4.1: 13 of 1,612,222 alleles (0.00081%); highest among the groups gnomAD compares: Middle Eastern, 0.033%; no homozygotes.

Submissions (8):

Labcorp Genetics (formerly Invitae), Labcorp
Classification: Uncertain significance for Birt-Hogg-Dube syndrome. Last evaluated: 2026-01-18. Review status: criteria provided, single submitter. Criteria: Invitae Variant Classification Sherloc (09022015). Collection method: clinical testing. Allele origin: germline.
Comment: This sequence change replaces valine, which is neutral and non-polar, with methionine, which is neutral and non-polar, at codon 151 of the FLCN protein (p.Val151Met). This variant is present in population databases (rs147164515, gnomAD 0.004%). This variant has not been reported in the literature in individuals affected with FLCN-related conditions. ClinVar contains an entry for this variant (Variation ID: 460616). Invitae Evidence Modeling of protein sequence and biophysical properties (such as structural, functional, and spatial information, amino acid conservation, physicochemical variation, residue mobility, and thermodynamic stability) indicates that this missense variant is expected to disrupt FLCN protein function with a positive predictive value of 80%. In summary, the available evidence is currently insufficient to determine the role of this variant in disease. Therefore, it has been classified as a Variant of Uncertain Significance.

Quest Diagnostics Nichols Institute San Juan Capistrano
Classification: Uncertain significance. Last evaluated: 2025-10-18. Review status: criteria provided, single submitter. Criteria: Quest Diagnostics criteria. Collection method: clinical testing. Allele origin: unknown.
Comment: The FLCN c.451G>A (p.Val151Met) variant has not been reported in individuals with FLCN-related conditions in the published literature. The frequency of this variant in the general population (Genome Aggregation Database) is uninformative in the assessment of its pathogenicity. Analysis of this variant using bioinformatics tools for the prediction of the effect of amino acid changes on protein structure and function yielded predictions that this variant is damaging. Based on the available information, we are unable to determine the clinical significance of this variant.

GeneDx
Classification: Uncertain significance. Last evaluated: 2024-03-11. Review status: criteria provided, single submitter. Criteria: GeneDx Variant Classification Process June 2021. Collection method: clinical testing. Allele origin: germline. Affected: yes.
Comment: Not observed at significant frequency in large population cohorts (gnomAD); In silico analysis supports that this missense variant does not alter protein structure/function; Has not been previously published as pathogenic or benign to our knowledge

Baylor Genetics
Classification: Uncertain significance for Birt-Hogg-Dube syndrome 1. Last evaluated: 2023-07-01. Review status: criteria provided, single submitter. Criteria: ACMG Guidelines, 2015. Collection method: clinical testing. Allele origin: unknown.

Ambry Genetics
Classification: Likely benign for Hereditary cancer-predisposing syndrome. Last evaluated: 2023-06-22. Review status: criteria provided, single submitter. Criteria: Ambry Variant Classification Scheme 2023. Collection method: clinical testing. Allele origin: germline.

St. Jude Molecular Pathology, St. Jude Children's Research Hospital
Classification: Uncertain significance for Birt-Hogg-Dube syndrome 1. Last evaluated: 2022-08-25. Review status: criteria provided, single submitter. Criteria: St. Jude Assertion Criteria 2020. Collection method: clinical testing. Allele origin: germline.
Comment: The FLCN c.451G>A (p.Val151Met) missense change has a maximum subpopulation frequency of 0.0027% in gnomAD v2.1.1. The in silico tool REVEL predicts a deleterious effect on protein function, but to our knowledge this prediction has not been confirmed by functional studies. To our knowledge, this variant has not been reported in individuals with Birt-Hogg-Dubé syndrome. In summary, the evidence currently available is insufficient to determine the clinical significance of this variant. It has therefore been classified as of uncertain significance.

Fulgent Genetics
Classification: Uncertain significance for Colorectal cancer; Birt-Hogg-Dube syndrome 1; Nonpapillary renal cell carcinoma; Familial spontaneous pneumothorax; 17p11.2 microduplication syndrome. Last evaluated: 2018-10-31. Review status: criteria provided, single submitter. Criteria: ACMG Guidelines, 2015. Collection method: clinical testing. Allele origin: unknown.

CeGaT Center for Human Genetics Tuebingen
Classification: Uncertain significance. Last evaluated: 2017-11-01. Review status: criteria provided, single submitter. Criteria: CeGaT Center For Human Genetics Tuebingen Variant Classification Criteria Version 2. Collection method: clinical testing. Allele origin: germline. Affected: yes. Observed: 2 variant alleles.